The following is an entry in ClinVar:

ClinVar aggregate classification (germline): Uncertain significance (1 of 4 stars; one submission).

Conditions:
46,XY sex reversal 2. Also called: Dosage-sensitive sex reversal; NR0B1-Related 46,XY CGD; NR0B1-related 46,XY complete gonadal dysgenesis; 46,XY SEX REVERSAL, DAX1-RELATED; 46XY sex reversal 2, dosage-sensitive. Identifiers: MedGen C1848296, MONDO:0010226, OMIM 300018.
Congenital adrenal hypoplasia, X-linked (AHC). Also called: ADRENAL HYPOPLASIA, CONGENITAL, WITH HYPOGONADOTROPIC HYPOGONADISM; Isolated X-Linked Adrenal Hypoplasia Congenita; X-linked AHC; X-Linked Adrenal Hypoplasia Congenita. Identifiers: Orphanet 95702, MedGen C0342482, MONDO:0010264, OMIM 300200. Disease mechanism: loss of function.

Allele frequency attached by ClinVar (database versions not stated): TOPMed 0.00001.
gnomAD v4.1: 1 of 1,200,427 alleles (0.000083%); highest among the groups gnomAD compares: Non-Finnish European, 0.00011%; no homozygotes.

Submission:

Labcorp Genetics (formerly Invitae), Labcorp
Classification: Uncertain significance for Congenital adrenal hypoplasia, X-linked; 46,XY sex reversal 2. Last evaluated: 2022-09-23. Review status: criteria provided, single submitter. Criteria: Invitae Variant Classification Sherloc (09022015). Collection method: clinical testing. Allele origin: germline.
Comment: This sequence change replaces glutamine, which is neutral and polar, with leucine, which is neutral and non-polar, at codon 179 of the NR0B1 protein (p.Gln179Leu). This variant is not present in population databases (gnomAD no frequency). This variant has not been reported in the literature in individuals affected with NR0B1-related conditions. Advanced modeling of protein sequence and biophysical properties (such as structural, functional, and spatial information, amino acid conservation, physicochemical variation, residue mobility, and thermodynamic stability) performed at Invitae indicates that this missense variant is not expected to disrupt NR0B1 protein function. In summary, the available evidence is currently insufficient to determine the role of this variant in disease. Therefore, it has been classified as a Variant of Uncertain Significance.

NM_000475.5(NR0B1):c.536A>T (p.Gln179Leu)

Gene: NR0B1 (nuclear receptor subfamily 0 group B member 1; minus strand). Cytogenetic location: Xp21.2.
Variant type: single nucleotide variant.
Coding change: c.536A>T on transcript NM_000475.5 (MANE Select); coding-DNA position 536, A replaced by T.
Protein change: p.Gln179Leu; replaces glutamine 179 with leucine.
Molecular consequence: missense variant.
Genome position (GRCh38, 1-based): chrX:30,308,828, T>A on the plus strand (A>T on the coding strand, the complement: NR0B1 is on the minus strand). VCF-style: chrX-30308828-T-A. GRCh37 (hg19) VCF-style: chrX-30326945-T-A.
Other names: short protein forms Q179L.
Identifiers: ClinVar variation 2174995 (VCV002174995.1), dbSNP rs1348796820, ClinGen allele CA412548552.